The following is an entry in ClinVar:

ClinVar aggregate classification (germline): Uncertain significance. Review status: criteria provided, multiple submitters, no conflicts (2 of 4 stars). 2 submissions from 2 submitters: Uncertain significance (2). Last evaluated 2025-02-13.

Conditions:
Congenital malabsorptive diarrhea 4. Also called: DIARRHEA 4, MALABSORPTIVE, CONGENITAL, WITH DIABETES MELLITUS AND COMBINED PITUITARY HORMONE DEFICIENCY; ENTERIC ANENDOCRINOSIS. Identifiers: Orphanet 83620, MedGen C1835888, MONDO:0012479, OMIM 610370, HP:6001346.

Allele frequency attached by ClinVar (database versions not stated): gnomAD exomes 0.00002; ExAC 0.00008.

Submissions (2):

ARUP Laboratories, Molecular Genetics and Genomics, ARUP Laboratories
Classification: Uncertain significance for Congenital malabsorptive diarrhea 4. Last evaluated: 2025-02-13. Review status: criteria provided, single submitter. Criteria: ARUP Molecular Germline Variant Investigation Process 2024. Collection method: clinical testing. Allele origin: germline.
Comment: The NEUROG3 c.539G>A; p.Gly180Asp variant (rs764802599), to our knowledge, is not reported in the medical literature but is reported in ClinVar (Variation ID: 1901433). This variant is found in the South Asian population with an allele frequency of 0.02% (6/27,910 alleles) in the Genome Aggregation Database (v2.1.1). Computational analyses are uncertain whether this variant is neutral or deleterious (REVEL: 0.201). Due to limited information, the clinical significance of this variant is uncertain at this time.

Labcorp Genetics (formerly Invitae), Labcorp
Classification: Uncertain significance. Last evaluated: 2022-04-12. Review status: criteria provided, single submitter. Criteria: Invitae Variant Classification Sherloc (09022015). Collection method: clinical testing. Allele origin: germline.
Comment: In summary, the available evidence is currently insufficient to determine the role of this variant in disease. Therefore, it has been classified as a Variant of Uncertain Significance. Algorithms developed to predict the effect of missense changes on protein structure and function output the following: SIFT: "Tolerated"; PolyPhen-2: "Benign"; Align-GVGD: "Class C0". The aspartic acid amino acid residue is found in multiple mammalian species, which suggests that this missense change does not adversely affect protein function. This variant has not been reported in the literature in individuals affected with NEUROG3-related conditions. This variant is present in population databases (rs764802599, gnomAD 0.02%). This sequence change replaces glycine, which is neutral and non-polar, with aspartic acid, which is acidic and polar, at codon 180 of the NEUROG3 protein (p.Gly180Asp).

NM_020999.4(NEUROG3):c.539G>A (p.Gly180Asp)

Gene: NEUROG3 (neurogenin 3; minus strand). Cytogenetic location: 10q22.1.
Variant type: single nucleotide variant.
Coding change: c.539G>A on transcript NM_020999.4 (MANE Select); coding-DNA position 539, G replaced by A.
Protein change: p.Gly180Asp; replaces glycine 180 with aspartic acid.
Molecular consequence: missense variant.
Genome position (GRCh38, 1-based): chr10:69,572,505, C>T on the plus strand (G>A on the coding strand, the complement: NEUROG3 is on the minus strand). VCF-style: chr10-69572505-C-T. GRCh37 (hg19) VCF-style: chr10-71332261-C-T.
Other names: short protein forms G180D.
Identifiers: ClinVar variation 1901433 (VCV001901433.5), dbSNP rs764802599, ClinGen allele CA5533670.